The following continues an entry in ClinVar:

NM_000350.3(ABCA4):c.4685T>C (p.Ile1562Thr)

ClinVar aggregate classification (germline): Conflicting classifications of pathogenicity. Pathogenic (4); Likely pathogenic (3); Uncertain significance (6).

Submissions 13 to 22 of 22:

Broad Center for Mendelian Genomics, Broad Institute of MIT and Harvard
Classification: Uncertain significance for Cone-rod dystrophy 3. Last evaluated: 2018-12-03. Review status: criteria provided, single submitter. Criteria: ACMG Guidelines, 2015. Collection method: research. Allele origin: germline. Inheritance: Autosomal recessive inheritance. Affected: yes.
Comment: This variant has been identified in 0.1266% (351/277160) of chromosomes and 1 homozygote by the Genome Aggregation Database (gnomAD; dbSNP rs1762111). Although this variant has been seen in the general population in the homozygous state, its frequency is low enough to be consistent with a recessive carrier frequency with a later age of onset. Please note that for diseases with clinical variability, or reduced penetrance, pathogenic variants may be present at a low frequency in the general population. Computational prediction tools and conservation analyses suggest that this variant may impact the protein. In vitro functional studies provide some evidence that the p.Ile1562Thr variant may impact protein function by lowering the ATP-binding affinity of the protein (PMID: 11726554). However, these types of assays may not accurately represent biological function. The p.Ile1562Thr variant in ABCA4 has been reported in one individual with cone rod dystrophy, but did not segregate with disease in an affected parent and sibling from the same family (PMID: 11726554). In summary, the clinical significance of the p.Ile1562Thr variant is uncertain. ACMG/AMP Criteria applied: PP3, PS3, BS4 (Richards 2015).

Department of Clinical Genetics, Copenhagen University Hospital, Rigshospitalet
Classification: Likely pathogenic for Stargardt disease. Last evaluated: 2018-04-01. Review status: no assertion criteria provided. Collection method: research. Allele origin: unknown. Affected: yes. Study: VeluxRD. Not counted in ClinVar's aggregate classification.

Department of Clinical Genetics, Copenhagen University Hospital, Rigshospitalet
Classification: Likely pathogenic for Retinal dystrophy. Last evaluated: 2018-04-01. Review status: no assertion criteria provided. Collection method: research. Allele origin: unknown. Affected: yes. Study: VeluxRD. Not counted in ClinVar's aggregate classification.

Department of Clinical Genetics, Copenhagen University Hospital, Rigshospitalet
Classification: Likely pathogenic for Cone-rod dystrophy. Last evaluated: 2018-04-01. Review status: no assertion criteria provided. Collection method: research. Allele origin: unknown. Affected: yes. Study: VeluxRD. Not counted in ClinVar's aggregate classification.

NIHR Bioresource Rare Diseases, University of Cambridge
Classification: Likely pathogenic for Retinal dystrophy. Last evaluated: 2015-01-01. Review status: no assertion criteria provided. Collection method: research. Allele origin: unknown. Affected: yes. Observed: 1 variant allele. Not counted in ClinVar's aggregate classification.

Clinical Genetics DNA and cytogenetics Diagnostics Lab, Erasmus MC, Erasmus Medical Center
Classification: Uncertain significance. Review status: no assertion criteria provided. Collection method: clinical testing. Allele origin: germline. Affected: yes. Study: VKGL Data-share Consensus. Not counted in ClinVar's aggregate classification.

Clinical Genetics, Academic Medical Center
Classification: Uncertain significance. Review status: no assertion criteria provided. Collection method: clinical testing. Allele origin: germline. Affected: yes. Study: VKGL Data-share Consensus. Not counted in ClinVar's aggregate classification.

Department of Pathology and Laboratory Medicine, Sinai Health System
Classification: Uncertain significance. Review status: no assertion criteria provided. Collection method: clinical testing. Allele origin: unknown. Affected: yes. Study: The Canadian Open Genetics Repository (COGR). Not counted in ClinVar's aggregate classification.
Comment: The ABCA4 p.Ile1562Thr variant was not identified in the Cosmic or LOVD 3.0 databases. The variant was identified in dbSNP (ID: rs1762111), ClinVar (reported as uncertain signficance (5), pathogenic and likely pathogenic), Clinvitae and MutDB. The variant was identified in control databases in 353 of 282818 chromosomes (1 homozygous) at a frequency of 0.001248 increasing the likelihood this could be a low frequency benign variant (Genome Aggregation Database Feb 27, 2017). The variant was observed in the following populations: European (non-Finnish) in 283 of 129140 chromosomes (freq: 0.002191), Other in 14 of 7228 chromosomes (freq: 0.001937), Ashkenazi Jewish in 17 of 10364 chromosomes (freq: 0.00164), European (Finnish) in 20 of 25124 chromosomes (freq: 0.000796), South Asian in 7 of 30614 chromosomes (freq: 0.000229), Latino in 8 of 35432 chromosomes (freq: 0.000226) and African in 4 of 24964 chromosomes (freq: 0.00016); it was not observed in the East Asian population. The p.I1562T variant was identified in 1/79 compound heterozygous patients with ABCA4-associated diseases, however was suggested to be benign (Fujinami_2013_PMID: 23982839). Downes et al. (2012) identified the variant in a patient with bull's eye maculopathy who also had an affected parent and sibling, however the I1562T variant was not found to cosegregate with disease (Downes_2012_PMID: 23143460). The variant was also identified in 3/335 patients with Stargardt disease and predicted to be pathogenic (Schulz_2017_PMID: 28118664). The p.Ile1562 residue is not conserved in mammals and computational analyses (PolyPhen-2, SIFT, AlignGVGD, BLOSUM, MutationTaster) provide inconsistent predictions regarding the impact to the protein; this information is not very predictive of pathogenicity. In summary, based on the above information the clinical significance of this variant cannot be determined with certainty at this time. This variant is classified as a variant of uncertain significance.

Joint Genome Diagnostic Labs from Nijmegen and Maastricht, Radboudumc and MUMC+
Classification: Uncertain significance. Review status: no assertion criteria provided. Collection method: clinical testing. Allele origin: germline. Affected: yes. Study: VKGL Data-share Consensus. Not counted in ClinVar's aggregate classification.

Retina International
No classification provided. Review status: no classification provided. Collection method: not provided. Allele origin: not provided. Not counted in ClinVar's aggregate classification.

Literature cited by the submitters: PubMed 11527935 (cited by Labcorp Genetics (formerly Invitae), Labcorp); PubMed 22661472 (cited by Labcorp Genetics (formerly Invitae), Labcorp and Laboratory for Molecular Medicine, Mass General Brigham Personalized Medicine); PubMed 28041643 (cited by 3 submitters); PubMed 29975949 (cited by Labcorp Genetics (formerly Invitae), Labcorp and Laboratory for Molecular Medicine, Mass General Brigham Personalized Medicine); PubMed 30718709 (cited by 3 submitters); PubMed 35120629 (cited by Labcorp Genetics (formerly Invitae), Labcorp); PubMed 11726554 (cited by 3 submitters); PubMed 29068140 (cited by Laboratory for Molecular Medicine, Mass General Brigham Personalized Medicine); PubMed 9295268 (cited by 3 submitters); PubMed 23143460 (cited by Laboratory for Molecular Medicine, Mass General Brigham Personalized Medicine and Institute of Human Genetics, Univ. Regensburg, Univ. Regensburg); PubMed 34874912 (cited by Laboratory for Molecular Medicine, Mass General Brigham Personalized Medicine); PubMed 23953153 (cited by Laboratory for Molecular Medicine, Mass General Brigham Personalized Medicine and Institute of Human Genetics, Univ. Regensburg, Univ. Regensburg); PubMed 10958763 (cited by Laboratory for Molecular Medicine, Mass General Brigham Personalized Medicine); PubMed 25087612 (cited by Institute of Human Genetics, Univ. Regensburg, Univ. Regensburg); PubMed 28118664 (cited by Institute of Human Genetics, Univ. Regensburg, Univ. Regensburg); PubMed 29555955 (cited by Institute of Human Genetics, Univ. Regensburg, Univ. Regensburg); PubMed 28771251 (cited by Institute of Human Genetics, Univ. Regensburg, Univ. Regensburg); PubMed 29925512 (cited by Institute of Human Genetics, Univ. Regensburg, Univ. Regensburg); PubMed 31429209 (cited by Institute of Human Genetics, Univ. Regensburg, Univ. Regensburg); PubMed 32581362 (cited by Institute of Human Genetics, Univ. Regensburg, Univ. Regensburg); PubMed 32531858 (cited by Institute of Human Genetics, Univ. Regensburg, Univ. Regensburg); PubMed 34426522 (cited by Institute of Human Genetics, Univ. Regensburg, Univ. Regensburg); PubMed 36460718 (cited by Institute of Human Genetics, Univ. Regensburg, Univ. Regensburg).